The following is an entry in ClinVar:

NM_005235.3(ERBB4):c.3136-3T>C

Gene: ERBB4 (erb-b2 receptor tyrosine kinase 4; minus strand). Cytogenetic location: 2q34.
Variant type: single nucleotide variant.
Coding change: c.3136-3T>C on transcript NM_005235.3 (MANE Select); 3 bases into the intron before coding-DNA position 3136, T replaced by C.
Molecular consequence: intron variant.
Genome position (GRCh38, 1-based): chr2:211,387,995, A>G on the plus strand (T>C on the coding strand, the complement: ERBB4 is on the minus strand). VCF-style: chr2-211387995-A-G. GRCh37 (hg19) VCF-style: chr2-212252720-A-G.
Other names: c.3136-845T>C (NM_001042599.2); c.3106-845T>C (NM_001439006.1); c.3106-3T>C (NM_001439005.1).
Identifiers: ClinVar variation 3612585 (VCV003612585.2).
Genomic context (GRCh38, chr2:211,387,995, plus strand): 5'-AAATACTTACTCCTGACATGGGGGTGTAGGCAGGAGGAGGGCTGTGTCCAATTTCACTCT[A>G]ATAGGAAAGAAAAATGGAATGATGGATATAATAAGAGGCAATATGAATGAAAAAATTAAA-3'

ClinVar aggregate classification (germline): Uncertain significance (1 of 4 stars; one submission).

gnomAD v4.1: 11 of 1,592,762 alleles (0.00069%); highest among the groups gnomAD compares: African/African-American, 0.0094%; no homozygotes.

Submission:

Labcorp Genetics (formerly Invitae), Labcorp
Classification: Uncertain significance. Last evaluated: 2024-02-17. Review status: criteria provided, single submitter. Criteria: Invitae Variant Classification Sherloc (09022015). Collection method: clinical testing. Allele origin: germline.
Comment: This sequence change falls in intron 25 of the ERBB4 gene. It does not directly change the encoded amino acid sequence of the ERBB4 protein. It affects a nucleotide within the consensus splice site. This variant is present in population databases (no rsID available, gnomAD 0.02%). This variant has not been reported in the literature in individuals affected with ERBB4-related conditions. Variants that disrupt the consensus splice site are a relatively common cause of aberrant splicing (PMID: 17576681, 9536098). Algorithms developed to predict the effect of sequence changes on RNA splicing suggest that this variant is not likely to affect RNA splicing. In summary, the available evidence is currently insufficient to determine the role of this variant in disease. Therefore, it has been classified as a Variant of Uncertain Significance.

Literature cited by the submitters: PubMed 17576681; PubMed 9536098.